The following is an entry in ClinVar:

NM_153676.4(USH1C):c.2401G>T (p.Glu801Ter)

Gene: USH1C (USH1 protein network component harmonin; minus strand). Cytogenetic location: 11p15.1.
Variant type: single nucleotide variant.
Coding change: c.2401G>T on transcript NM_153676.4 (MANE Select); coding-DNA position 2401, G replaced by T.
Protein change: p.Glu801Ter; replaces glutamic acid 801 with a stop codon.
Molecular consequence: nonsense. On other transcripts: non-coding transcript variant (1).
Genome position (GRCh38, 1-based): chr11:17,498,251, C>A on the plus strand (G>T on the coding strand, the complement: USH1C is on the minus strand). VCF-style: chr11-17498251-C-A. GRCh37 (hg19) VCF-style: chr11-17519798-C-A.
Other names: c.2401G>T (NM_153676.3); c.1444G>T, p.Glu482Ter (NM_001297764.2); c.1501G>T, p.Glu501Ter (NM_005709.4); short protein forms E801*, E482*, E501*.
Identifiers: ClinVar variation 958803 (VCV000958803.12), dbSNP rs371257969, ClinGen allele CA379801259.
Genomic context (GRCh38, chr11:17,498,251, plus strand): 5'-CAGCCTCAGCCTCAGCCAGGGTGTAGTCTGTCACAATCTTGCCGTTGATTGCCATGATCT[C>A]GTCCCCTTTCACAATGCCACCTGCAGGCAGATGAGGCTGATTGGCCAACTGGGCTGTATG-3'

ClinVar aggregate classification (germline): Pathogenic/Likely pathogenic. Review status: criteria provided, multiple submitters, no conflicts (2 of 4 stars). 5 submissions from 5 submitters: Pathogenic (1); Likely pathogenic (4). Last evaluated 2026-07-02.

Conditions:
USH1C-related disorder. Also called: USH1C-related condition.
Usher syndrome type 1C. Also called: USHER SYNDROME, TYPE I, ACADIAN VARIETY. Identifiers: Orphanet 231169, Orphanet 886, MedGen C1848604, MONDO:0010171, OMIM 276904.
Autosomal recessive nonsyndromic hearing loss 18A. Also called: Deafness, autosomal recessive 18A; DEAFNESS, AUTOSOMAL RECESSIVE 18. Identifiers: Orphanet 90636, MedGen C1865870, MONDO:0011192, OMIM 602092.

Allele frequency attached by ClinVar (database versions not stated): TOPMed 0.00002.
gnomAD v4.1: 19 of 1,614,074 alleles (0.0012%); highest among the groups gnomAD compares: Non-Finnish European, 0.0015%; no homozygotes.

Submissions (5):

PreventionGenetics, part of Exact Sciences
Classification: Likely pathogenic for USH1C-related condition. Last evaluated: 2026-07-02. Review status: criteria provided, single submitter. Criteria: ACMG Guidelines, 2015. Collection method: clinical testing. Allele origin: germline.
Comment: The USH1C c.2401G>T variant is predicted to result in premature protein termination (p.Glu801*). This variant has been reported along with an USH1C frameshift variant in an individual with retinal disease (reported as p.Glu501Ter using transcript NM_005709, Table S1, Lin et al. 2024. PubMed ID: 38219857). This variant is present in 0.0015% of alleles in individuals of European (Non-Finnish) descent in gnomAD. Nonsense variants in USH1C are an established mechanism of disease. This variant is interpreted as likely pathogenic.

Natera, Inc.
Classification: Likely pathogenic for Usher syndrome type 1C. Last evaluated: 2026-01-28. Review status: criteria provided, single submitter. Criteria: Natera Variant Classification Schema (03/2026). Collection method: clinical testing. Allele origin: germline.
Comment: The c.1501G>T variant in USH1C is a nonsense variant predicted to introduce a stop codon at amino acid 501. This variant is expected to result in nonsense mediated decay, truncation, or a dysfunctional protein product. This variant is rare in the general population with a frequency below the threshold expected for the associated phenotype(s). Given the available evidence, this variant is classified as Likely Pathogenic.

Labcorp Genetics (formerly Invitae), Labcorp
Classification: Pathogenic. Last evaluated: 2025-09-02. Review status: criteria provided, single submitter. Criteria: Invitae Variant Classification Sherloc (09022015). Collection method: clinical testing. Allele origin: germline.
Comment: This sequence change creates a premature translational stop signal (p.Glu501*) in the USH1C gene. It is expected to result in an absent or disrupted protein product. Loss-of-function variants in USH1C are known to be pathogenic (PMID: 10973247, 17407589, 20301442, 21203349). This variant is present in population databases (no rsID available, gnomAD 0.007%). This variant has not been reported in the literature in individuals affected with USH1C-related conditions. ClinVar contains an entry for this variant (Variation ID: 958803). For these reasons, this variant has been classified as Pathogenic.

Baylor Genetics
Classification: Likely pathogenic for Autosomal recessive nonsyndromic hearing loss 18A. Last evaluated: 2024-03-15. Review status: criteria provided, single submitter. Criteria: ACMG Guidelines, 2015. Collection method: clinical testing. Allele origin: unknown.

Blueprint Genetics
Classification: Likely pathogenic for USH1C-related disorders. Last evaluated: 2020-12-09. Review status: criteria provided, single submitter. Criteria: ACMG Guidelines, 2015. Collection method: clinical testing. Allele origin: germline. Affected: yes. Observed: 3 variant alleles.

Literature cited by the submitters: PubMed 10973247 (cited by Labcorp Genetics (formerly Invitae), Labcorp); PubMed 17407589 (cited by Labcorp Genetics (formerly Invitae), Labcorp); PubMed 20301442 (cited by Labcorp Genetics (formerly Invitae), Labcorp); PubMed 21203349 (cited by Labcorp Genetics (formerly Invitae), Labcorp).